The following is an entry in ClinVar:

ClinVar aggregate classification (germline): Uncertain significance. Review status: criteria provided, multiple submitters, no conflicts (2 of 4 stars). 2 submissions from 2 submitters: Uncertain significance (2). Last evaluated 2025-08-11.

Conditions:
Hereditary cancer-predisposing syndrome. Also called: Neoplastic Syndromes, Hereditary; Hereditary Cancer Syndrome; Hereditary neoplastic syndrome; Tumor predisposition. Identifiers: Orphanet 140162, MedGen C0027672, MeSH D009386, MONDO:0015356.

Submissions (2):

Labcorp Genetics (formerly Invitae), Labcorp
Classification: Uncertain significance. Last evaluated: 2025-08-11. Review status: criteria provided, single submitter. Criteria: Invitae Variant Classification Sherloc (09022015). Collection method: clinical testing. Allele origin: germline.
Comment: This sequence change replaces leucine, which is neutral and non-polar, with serine, which is neutral and polar, at codon 971 of the MSH3 protein (p.Leu971Ser). This variant is not present in population databases (gnomAD no frequency). This variant has not been reported in the literature in individuals affected with MSH3-related conditions. ClinVar contains an entry for this variant (Variation ID: 2108941). An algorithm developed to predict the effect of missense changes on protein structure and function (PolyPhen-2) suggests that this variant is likely to be disruptive. In summary, the available evidence is currently insufficient to determine the role of this variant in disease. Therefore, it has been classified as a Variant of Uncertain Significance.

Ambry Genetics
Classification: Uncertain significance for Hereditary cancer-predisposing syndrome. Last evaluated: 2024-09-02. Review status: criteria provided, single submitter. Criteria: Ambry Variant Classification Scheme 2023. Collection method: clinical testing. Allele origin: germline.
Comment: The p.L971S variant (also known as c.2912T>C), located in coding exon 21 of the MSH3 gene, results from a T to C substitution at nucleotide position 2912. The leucine at codon 971 is replaced by serine, an amino acid with dissimilar properties. This amino acid position is conserved. In addition, this alteration is predicted to be deleterious by in silico analysis. Based on the available evidence, the clinical significance of this variant remains unclear.

NM_002439.5(MSH3):c.2912T>C (p.Leu971Ser)

Gene: MSH3 (mutS homolog 3; plus strand). Cytogenetic location: 5q14.1.
Variant type: single nucleotide variant.
Coding change: c.2912T>C on transcript NM_002439.5 (MANE Select); coding-DNA position 2912, T replaced by C.
Protein change: p.Leu971Ser; replaces leucine 971 with serine.
Molecular consequence: missense variant.
Genome position (GRCh38, 1-based): chr5:80,854,228, T>C. VCF-style: chr5-80854228-T-C. GRCh37 (hg19) VCF-style: chr5-80150047-T-C.
Other names: c.2912T>C (NM_002439.3); short protein forms L971S.
Identifiers: ClinVar variation 2108941 (VCV002108941.5), dbSNP rs2478771776, ClinGen allele CA360275674.